The following is an entry in ClinVar:

ClinVar aggregate classification (germline): Uncertain significance (1 of 4 stars; one submission).

Submission:

Ambry Genetics
Classification: Uncertain significance. Last evaluated: 2026-04-22. Review status: criteria provided, single submitter. Criteria: Ambry Variant Classification Scheme 2023. Collection method: clinical testing. Allele origin: germline.
Comment: The c.4372G>A (p.G1458S) alteration is located in exon 11 (coding exon 11) of the KIAA1210 gene. This alteration results from a G to A substitution at nucleotide position 4372, causing the glycine (G) at amino acid position 1458 to be replaced by a serine (S). Based on data from gnomAD, the A allele has an overall frequency of 0.001% (1/181202) total alleles studied. The highest observed frequency was 0.001% (1/81063) of European (non-Finnish) alleles. Based on insufficient or conflicting evidence, the clinical significance of this alteration remains unclear.

NM_001394962.1(KIAA1210):c.3844G>A (p.Gly1282Ser)

Gene: KIAA1210 (KIAA1210; minus strand). Cytogenetic location: Xq24.
Variant type: single nucleotide variant.
Coding change: c.3844G>A on transcript NM_001394962.1 (MANE Select); coding-DNA position 3844, G replaced by A.
Protein change: p.Gly1282Ser; replaces glycine 1282 with serine.
Molecular consequence: missense variant.
Genome position (GRCh38, 1-based): chrX:119,086,858, C>T on the plus strand (G>A on the coding strand, the complement: KIAA1210 is on the minus strand). VCF-style: chrX-119086858-C-T. GRCh37 (hg19) VCF-style: chrX-118220821-C-T.
Other names: c.4372G>A, p.Gly1458Ser (NM_020721.1); short protein forms G1282S, G1458S.
Identifiers: ClinVar variation 4858784 (VCV004858784.1).
Genomic context (GRCh38, chrX:119,086,858, plus strand): 5'-CTCCAAAAAGCTTTTCAACATCATCCTGATTGGATAGGTTTGCATGCTGGTTATTATTAC[C>T]ATCACCACTCTCAAGATCTTCTTTCTTAGAGTAAATGCCCCCAGAAGTGGATGTTTGCCT-3'
Protein context (NP_001381891.1, residues 1272-1292): SKKEDLESGD[Gly1282Ser]NNNQHANLSN